The following is an entry in ClinVar:

ClinVar aggregate classification (germline): Likely benign. Review status: criteria provided, multiple submitters, no conflicts (2 of 4 stars). 3 submissions from 3 submitters: Likely benign (3). Last evaluated 2024-11-03.

Conditions:
Hereditary cancer-predisposing syndrome. Also called: Hereditary neoplastic syndrome; Tumor predisposition; Neoplastic Syndromes, Hereditary; Hereditary Cancer Syndrome. Identifiers: Orphanet 140162, MedGen C0027672, MeSH D009386, MONDO:0015356.
Microcephaly, normal intelligence and immunodeficiency (NBS). Also called: BERLIN BREAKAGE SYNDROME; SEEMANOVA SYNDROME II; Nijmegen breakage syndrome; IMMUNODEFICIENCY, MICROCEPHALY, AND CHROMOSOMAL INSTABILITY; Immunodeficiency, microcephaly with normal intelligence; Microcephaly with normal intelligence immunodeficiency and lymphoreticular malignancies. Identifiers: Orphanet 647, MedGen C0398791, MONDO:0009623, OMIM 251260.

gnomAD v4.1: 4 of 1,613,178 alleles (0.00025%); highest among the groups gnomAD compares: South Asian, 0.0011%; no homozygotes.

Submissions (3):

Labcorp Genetics (formerly Invitae), Labcorp
Classification: Likely benign for Microcephaly, normal intelligence and immunodeficiency. Last evaluated: 2024-11-03. Review status: criteria provided, single submitter. Criteria: Invitae Variant Classification Sherloc (09022015). Collection method: clinical testing. Allele origin: germline.

Ambry Genetics
Classification: Likely benign for Hereditary cancer-predisposing syndrome. Last evaluated: 2016-06-08. Review status: criteria provided, single submitter. Criteria: Ambry Variant Classification Scheme 2023. Collection method: clinical testing. Allele origin: germline.

GeneDx
Classification: Likely benign. Last evaluated: 2016-01-28. Review status: criteria provided, single submitter. Criteria: GeneDx Variant Classification (06012015). Collection method: clinical testing. Allele origin: germline. Affected: yes.
Comment: This variant is considered likely benign or benign based on one or more of the following criteria: it is a conservative change, it occurs at a poorly conserved position in the protein, it is predicted to be benign by multiple in silico algorithms, and/or has population frequency not consistent with disease.

NM_002485.5(NBN):c.21C>G (p.Ala7=)

Gene: NBN (nibrin; minus strand). Cytogenetic location: 8q21.3.
Variant type: single nucleotide variant.
Coding change: c.21C>G on transcript NM_002485.5 (MANE Select); coding-DNA position 21, C replaced by G.
Protein change: p.Ala7=; no amino-acid change (alanine 7 retained).
Molecular consequence: synonymous variant. On other transcripts: 5 prime UTR variant (1).
Genome position (GRCh38, 1-based): chr8:89,984,541, G>C on the plus strand (C>G on the coding strand, the complement: NBN is on the minus strand). VCF-style: chr8-89984541-G-C. GRCh37 (hg19) VCF-style: chr8-90996769-G-C.
Other names: c.-276C>G (NM_001024688.3).
Identifiers: ClinVar variation 383428 (VCV000383428.15), dbSNP rs370050587, ClinGen allele CA4803105.